The following is an entry in ClinVar:

NM_006231.4(POLE):c.1559A>C (p.Gln520Pro)

Gene: POLE (DNA polymerase epsilon, catalytic subunit; minus strand). Cytogenetic location: 12q24.33.
Variant type: single nucleotide variant.
Coding change: c.1559A>C on transcript NM_006231.4 (MANE Select); coding-DNA position 1559, A replaced by C.
Protein change: p.Gln520Pro; replaces glutamine 520 with proline.
Molecular consequence: missense variant.
Genome position (GRCh38, 1-based): chr12:132,672,754, T>G on the plus strand (A>C on the coding strand, the complement: POLE is on the minus strand). VCF-style: chr12-132672754-T-G. GRCh37 (hg19) VCF-style: chr12-133249340-T-G.
Other names: c.1559A>C (NM_006231.2); short protein forms Q520P.
Identifiers: ClinVar variation 645390 (VCV000645390.9), dbSNP rs780865223, ClinGen allele CA387357124.

ClinVar aggregate classification (germline): Uncertain significance. Review status: criteria provided, multiple submitters, no conflicts (2 of 4 stars). 2 submissions from 2 submitters: Uncertain significance (2). Last evaluated 2024-12-04.

Conditions:
Hereditary cancer-predisposing syndrome. Also called: Hereditary Cancer Syndrome; Tumor predisposition; Hereditary neoplastic syndrome; Neoplastic Syndromes, Hereditary. Identifiers: Orphanet 140162, MedGen C0027672, MeSH D009386, MONDO:0015356.

gnomAD v4.1: 2 of 1,614,174 alleles (0.00012%); highest among the groups gnomAD compares: Non-Finnish European, 0.00017%; no homozygotes.

Submissions (2):

Ambry Genetics
Classification: Uncertain significance for Hereditary cancer-predisposing syndrome. Last evaluated: 2024-12-04. Review status: criteria provided, single submitter. Criteria: Ambry Variant Classification Scheme 2023. Collection method: clinical testing. Allele origin: germline.
Comment: The p.Q520P variant (also known as c.1559A>C), located in coding exon 15 of the POLE gene, results from an A to C substitution at nucleotide position 1559. The glutamine at codon 520 is replaced by proline, an amino acid with similar properties. This amino acid position is highly conserved in available vertebrate species. In addition, the in silico prediction for this alteration is inconclusive. Based on the available evidence, the clinical significance of this variant remains unclear.

Labcorp Genetics (formerly Invitae), Labcorp
Classification: Uncertain significance. Last evaluated: 2024-01-18. Review status: criteria provided, single submitter. Criteria: Invitae Variant Classification Sherloc (09022015). Collection method: clinical testing. Allele origin: germline.
Comment: This sequence change replaces glutamine, which is neutral and polar, with proline, which is neutral and non-polar, at codon 520 of the POLE protein (p.Gln520Pro). This variant is not present in population databases (gnomAD no frequency). This variant has not been reported in the literature in individuals affected with POLE-related conditions. ClinVar contains an entry for this variant (Variation ID: 645390). Advanced modeling of protein sequence and biophysical properties (such as structural, functional, and spatial information, amino acid conservation, physicochemical variation, residue mobility, and thermodynamic stability) performed at Invitae indicates that this missense variant is expected to disrupt POLE protein function with a positive predictive value of 80%. In summary, the available evidence is currently insufficient to determine the role of this variant in disease. Therefore, it has been classified as a Variant of Uncertain Significance.